The following is an entry in ClinVar:

ClinVar aggregate classification (germline): Uncertain significance (1 of 4 stars; one submission).

Conditions:
Dilated cardiomyopathy 1G (CMD1G). Identifiers: Orphanet 154, MedGen C1858763, MONDO:0011400, OMIM 604145.

Allele frequency attached by ClinVar (database versions not stated): gnomAD exomes below 0.00001.

Submission:

Baylor Genetics
Classification: Uncertain significance for Dilated cardiomyopathy 1G. Last evaluated: 2020-05-05. Review status: criteria provided, single submitter. Criteria: ACMG Guidelines, 2015. Collection method: clinical testing. Allele origin: unknown. Affected: yes.
Comment: This variant was determined to be of uncertain significance according to ACMG Guidelines, 2015 [PMID:25741868].

NM_001267550.2(TTN):c.41063A>G (p.Glu13688Gly)

Gene: TTN (titin; minus strand). Cytogenetic location: 2q31.2.
Variant type: single nucleotide variant.
Coding change: c.41063A>G on transcript NM_001267550.2 (MANE Select); coding-DNA position 41063, A replaced by G.
Protein change: p.Glu13688Gly; replaces glutamic acid 13688 with glycine.
Molecular consequence: missense variant.
Genome position (GRCh38, 1-based): chr2:178,636,664, T>C on the plus strand (A>G on the coding strand, the complement: TTN is on the minus strand). VCF-style: chr2-178636664-T-C. GRCh37 (hg19) VCF-style: chr2-179501391-T-C.
Other names: c.36140A>G, p.Glu12047Gly (NM_001256850.1); c.13868A>G, p.Glu4623Gly (NM_003319.4); c.33359A>G, p.Glu11120Gly (NM_133378.4); c.14243A>G, p.Glu4748Gly (NM_133432.3); c.14444A>G, p.Glu4815Gly (NM_133437.4); short protein forms E4623G, E4815G, E11120G, E12047G, E13688G, E4748G.
Identifiers: ClinVar variation 1031088 (VCV001031088.1), dbSNP rs2060476554, ClinGen allele CA349661608.
Genomic context (GRCh38, chr2:178,636,664, plus strand): 5'-CATTCAAAGATTGCTGAAGAGCCAACGAACTCTGATTCTGTCAAGATGATGTCTTTGATT[T>C]CTTTCACAAACTTCAGTGGCACAGCCTTTAGCTGGTAGGTGAACGGGGCTTCATCAGGAG-3'
Protein context (NP_001254479.2, residues 13678-13698): LKAVPLKFVK[Glu13688Gly]IKDIILTESE